The following is an entry in ClinVar:

ClinVar aggregate classification (germline): Conflicting classifications of pathogenicity. Review status: criteria provided, conflicting classifications (1 of 4 stars). 3 submissions from 3 submitters: Uncertain significance (2); Likely benign (1). Last evaluated 2024-07-19.

Conditions:
Short-rib thoracic dysplasia 14 with polydactyly (SRTD14). Identifiers: Orphanet 397715, MedGen C4225286, MONDO:0014688, OMIM 616546.
Joubert syndrome 23 (JBTS23). Identifiers: Orphanet 475, MedGen C4084822, MONDO:0014664, OMIM 616490.
Inborn genetic diseases. Identifiers: MedGen C0950123, MeSH D030342.

Allele frequency attached by ClinVar (database versions not stated): 1000 Genomes Project 30x 0.00016; 1000 Genomes Project 0.00020; ExAC 0.00021; gnomAD 0.00024; gnomAD exomes 0.00026; TOPMed 0.00028; ESP Exome Variant Server 0.00042.
gnomAD v4.1: 633 of 1,613,710 alleles (0.039%); highest among the groups gnomAD compares: Non-Finnish European, 0.052%; 1 homozygote.

Submissions (3):

Blueprint Genetics
Classification: Likely benign. Last evaluated: 2024-07-19. Review status: criteria provided, single submitter. Criteria: ACMG Guidelines, 2015. Collection method: clinical testing. Allele origin: germline.

Ambry Genetics
Classification: Uncertain significance for Inborn genetic diseases. Last evaluated: 2023-01-23. Review status: criteria provided, single submitter. Criteria: Ambry Variant Classification Scheme 2023. Collection method: clinical testing. Allele origin: germline.

Labcorp Genetics (formerly Invitae), Labcorp
Classification: Uncertain significance for Joubert syndrome 23; Short-rib thoracic dysplasia 14 with polydactyly. Last evaluated: 2022-10-24. Review status: criteria provided, single submitter. Criteria: Invitae Variant Classification Sherloc (09022015). Collection method: clinical testing. Allele origin: germline.
Comment: This sequence change replaces alanine, which is neutral and non-polar, with valine, which is neutral and non-polar, at codon 1178 of the KIAA0586 protein (p.Ala1178Val). This variant is present in population databases (rs201898983, gnomAD 0.05%). This variant has not been reported in the literature in individuals affected with KIAA0586-related conditions. ClinVar contains an entry for this variant (Variation ID: 1508513). Advanced modeling of protein sequence and biophysical properties (such as structural, functional, and spatial information, amino acid conservation, physicochemical variation, residue mobility, and thermodynamic stability) performed at Invitae indicates that this missense variant is not expected to disrupt KIAA0586 protein function. In summary, the available evidence is currently insufficient to determine the role of this variant in disease. Therefore, it has been classified as a Variant of Uncertain Significance.

NM_001329943.3(KIAA0586):c.3374C>T (p.Ala1125Val)

Gene: KIAA0586 (KIAA0586; plus strand). Cytogenetic location: 14q23.1.
Variant type: single nucleotide variant.
Coding change: c.3374C>T on transcript NM_001329943.3 (MANE Select); coding-DNA position 3374, C replaced by T.
Protein change: p.Ala1125Val; replaces alanine 1125 with valine.
Molecular consequence: missense variant.
Genome position (GRCh38, 1-based): chr14:58,487,956, C>T. VCF-style: chr14-58487956-C-T. GRCh37 (hg19) VCF-style: chr14-58954674-C-T.
Other names: c.3146C>T (NM_014749.3); c.3533C>T, p.Ala1178Val (NM_001244189.2); c.3329C>T, p.Ala1110Val (NM_001244190.2); c.3119C>T, p.Ala1040Val (NM_001244191.2, NM_001329945.2, NM_001364700.1 and 1 more transcripts); c.3242C>T, p.Ala1081Val (NM_001244192.2); c.2954C>T, p.Ala985Val (NM_001244193.2); c.3374C>T, p.Ala1125Val (NM_001329944.2, NM_001329946.2, NM_001329947.2); c.3146C>T, p.Ala1049Val (NM_014749.5); short protein forms A1081V, A1125V, A1178V, A1040V, A1110V, A1049V, A985V.
Identifiers: ClinVar variation 1508513 (VCV001508513.5), dbSNP rs201898983, ClinGen allele CA7206145.